The following is an entry in ClinVar:

NM_000059.4(BRCA2):c.*842A>G

Gene: BRCA2 (BRCA2 DNA repair associated; plus strand). Cytogenetic location: 13q13.1.
Variant type: single nucleotide variant.
Coding change: c.*842A>G on transcript NM_000059.4 (MANE Select); 842 bases downstream of the stop codon, A replaced by G.
Molecular consequence: 3 prime UTR variant.
Genome position (GRCh38, 1-based): chr13:32,399,612, A>G. VCF-style: chr13-32399612-A-G. GRCh37 (hg19) VCF-style: chr13-32973749-A-G.
Identifiers: ClinVar variation 264869 (VCV000264869.5), dbSNP rs192347116, ClinGen allele CA10588181.

ClinVar aggregate classification (germline): Benign. Review status: reviewed by expert panel (3 of 4 stars). 3 submissions from 2 submitters: Benign (1). 2 of the submissions do not count toward it. Last evaluated 2016-09-28.

Conditions:
Fanconi anemia complementation group D1. Also called: BRCA2-Related Fanconi Anemia. Identifiers: Orphanet 319462, MedGen C1838457, MONDO:0011584, OMIM 605724.
Breast-ovarian cancer, familial, susceptibility to, 2 (BROVCA2). Also called: BRCA2 Hereditary Breast and Ovarian Cancer. Identifiers: Orphanet 145, MedGen C2675520, MONDO:0012933, OMIM 612555. Disease mechanism: loss of function.

Allele frequency attached by ClinVar (database versions not stated): TOPMed 0.00462; 1000 Genomes Project 0.00479; 1000 Genomes Project 30x 0.00500; gnomAD exomes 0.00069; gnomAD 0.00373 and 0.00401.
gnomAD v4.1: 580 of 178,788 alleles (0.32%); highest among the groups gnomAD compares: African/African-American, 1.3%; 1 homozygote.

Submissions (3):

Evidence-based Network for the Interpretation of Germline Mutant Alleles (ENIGMA)
Classification: Benign for Breast-ovarian cancer, familial, susceptibility to, 2. Last evaluated: 2016-09-28. Review status: reviewed by expert panel. Criteria: ENIGMA BRCA1/2 Classification Criteria (2015). Collection method: curation. Allele origin: germline.
Comment: Class 1 not pathogenic based on frequency >1% in an outbred sampleset. Frequency 0.0174 (African), derived from 1000 genomes (2013-05-02).

Illumina Laboratory Services, Illumina
Classification: Likely benign for Fanconi anemia complementation group D1. Last evaluated: 2018-01-13. Review status: criteria provided, single submitter. Criteria: ICSL Variant Classification Criteria 13 December 2019. Collection method: clinical testing. Allele origin: germline. Not counted in ClinVar's aggregate classification.
Comment: This variant was observed in the ICSL laboratory as part of a predisposition screen in an ostensibly healthy population. It had not been previously curated by ICSL or reported in the Human Gene Mutation Database (HGMD: prior to June 1st, 2018), and was therefore a candidate for classification through an automated scoring system. Utilizing variant allele frequency, disease prevalence and penetrance estimates, and inheritance mode, an automated score was calculated to assess if this variant is too frequent to cause the disease. Based on the score and internal cut-off values, a variant classified as likely benign is not then subjected to further curation. The score for this variant resulted in a classification of likely benign for this disease.

Illumina Laboratory Services, Illumina
Classification: Likely benign for Breast-ovarian cancer, familial, susceptibility to, 2. Last evaluated: 2018-01-13. Review status: criteria provided, single submitter. Criteria: ICSL Variant Classification Criteria 13 December 2019. Collection method: clinical testing. Allele origin: germline. Not counted in ClinVar's aggregate classification.
Comment: the same text as in the submission from Illumina Laboratory Services, Illumina above.